The following is an entry in ClinVar:

ClinVar aggregate classification (germline): Benign/Likely benign. Review status: criteria provided, multiple submitters, no conflicts (2 of 4 stars). 10 submissions from 10 submitters: Benign (5); Likely benign (3). 2 of the submissions do not count toward it. Last evaluated 2026-02-01.

Conditions:
Usher syndrome type 2A. Also called: USHER SYNDROME, TYPE IIA; RETINAL DISEASE IN USHER SYNDROME TYPE IIA, MODIFIER OF. Identifiers: Orphanet 231178, Orphanet 886, MedGen C1848634, MONDO:0010169, OMIM 276901.

Allele frequency attached by ClinVar (database versions not stated): 1000 Genomes Project 30x 0.00078; 1000 Genomes Project 0.00100; ESP Exome Variant Server 0.00185; TOPMed 0.00197; ExAC 0.00226; gnomAD exomes 0.00250; gnomAD 0.00369.
gnomAD v4.1: 5,290 of 1,613,864 alleles (0.33%); highest among the groups gnomAD compares: Non-Finnish European, 0.38%; 15 homozygotes.

Submissions (10):

CeGaT Center for Human Genetics Tuebingen
Classification: Likely benign. Last evaluated: 2026-02-01. Review status: criteria provided, single submitter. Criteria: CeGaT Center For Human Genetics Tuebingen Variant Classification Criteria Version 2. Collection method: clinical testing. Allele origin: germline. Affected: yes. Observed: 9 variant alleles.
Comment: USH2A: BP4, BS2

Labcorp Genetics (formerly Invitae), Labcorp
Classification: Benign. Last evaluated: 2026-01-30. Review status: criteria provided, single submitter. Criteria: Invitae Variant Classification Sherloc (09022015). Collection method: clinical testing. Allele origin: germline.

Blueprint Genetics
Classification: Likely benign. Last evaluated: 2024-11-25. Review status: criteria provided, single submitter. Criteria: ACMG Guidelines, 2015. Collection method: clinical testing. Allele origin: germline.

ARUP Laboratories, Molecular Genetics and Genomics, ARUP Laboratories
Classification: Benign. Last evaluated: 2023-11-29. Review status: criteria provided, single submitter. Criteria: ARUP Molecular Germline Variant Investigation Process 2024. Collection method: clinical testing. Allele origin: germline.

Genome-Nilou Lab
Classification: Likely benign for Usher syndrome type 2A. Last evaluated: 2021-05-18. Review status: criteria provided, single submitter. Criteria: ACMG Guidelines, 2015. Collection method: clinical testing. Allele origin: germline. Affected: no.

GeneDx
Classification: Benign. Last evaluated: 2017-08-10. Review status: criteria provided, single submitter. Criteria: GeneDx Variant Classification (06012015). Collection method: clinical testing. Allele origin: germline. Affected: yes.
Comment: This variant is considered likely benign or benign based on one or more of the following criteria: it is a conservative change, it occurs at a poorly conserved position in the protein, it is predicted to be benign by multiple in silico algorithms, and/or has population frequency not consistent with disease.

Eurofins Ntd Llc (ga)
Classification: Benign. Last evaluated: 2015-01-27. Review status: criteria provided, single submitter. Criteria: EGL Classification Definitions 2015. Collection method: clinical testing. Allele origin: germline. Observed: 1 variant allele, 1 heterozygote.

Laboratory for Molecular Medicine, Mass General Brigham Personalized Medicine
Classification: Benign. Last evaluated: 2012-05-07. Review status: criteria provided, single submitter. Criteria: LMM Criteria. Collection method: clinical testing. Allele origin: germline. Observed: 3 variant alleles.
Comment: Thr2086Asn in Exon 32 of USH2A: This variant is not expected to have clinical si gnificance because it has been identified in 0.3% (24/7020) of European American chromosomes from a broad population by the NHLBI Exome Sequencing Project (dbSNP rs149202379).

Clinical Genetics DNA and cytogenetics Diagnostics Lab, Erasmus MC, Erasmus Medical Center
Classification: Likely benign. Review status: no assertion criteria provided. Collection method: clinical testing. Allele origin: germline. Affected: yes. Study: VKGL Data-share Consensus. Not counted in ClinVar's aggregate classification.

Clinical Genetics, Academic Medical Center
Classification: Benign. Review status: no assertion criteria provided. Collection method: clinical testing. Allele origin: germline. Affected: yes. Study: VKGL Data-share Consensus. Not counted in ClinVar's aggregate classification.

NM_206933.4(USH2A):c.6257C>A (p.Thr2086Asn)

Gene: USH2A (usherin; minus strand). Cytogenetic location: 1q41.
Variant type: single nucleotide variant.
Coding change: c.6257C>A on transcript NM_206933.4 (MANE Select); coding-DNA position 6257, C replaced by A.
Protein change: p.Thr2086Asn; replaces threonine 2086 with asparagine.
Molecular consequence: missense variant.
Genome position (GRCh38, 1-based): chr1:216,046,499, G>T on the plus strand (C>A on the coding strand, the complement: USH2A is on the minus strand). VCF-style: chr1-216046499-G-T. GRCh37 (hg19) VCF-style: chr1-216219841-G-T.
Other names: short protein forms T2086N.
Identifiers: ClinVar variation 178651 (VCV000178651.75), dbSNP rs149202379, ClinGen allele CA182738.